The following is an entry in ClinVar:

NM_000321.3(RB1):c.2086del (p.Arg696fs)

Gene: RB1 (RB transcriptional corepressor 1; plus strand). Cytogenetic location: 13q14.2.
Variant type: Deletion.
Coding change: c.2086del on transcript NM_000321.3 (MANE Select); coding-DNA position 2086, one base deleted (A; older notation c.2086delA).
Protein change: p.Arg696fs; shifts the reading frame from arginine 696.
Molecular consequence: frameshift variant.
Genome position (GRCh38, 1-based): chr13:48,459,813, A deleted. VCF-style (leftmost placement, unchanged base first): chr13-48459812-GA-G. GRCh37 (hg19) VCF-style: chr13-49033948-GA-G.
Other names: c.2086del, p.Arg696fs (NM_001407165.1); short protein forms R696fs.
Identifiers: ClinVar variation 4824143 (VCV004824143.1).

ClinVar aggregate classification (germline): Pathogenic (1 of 4 stars; one submission).

Conditions:
Hereditary cancer-predisposing syndrome. Also called: Neoplastic Syndromes, Hereditary; Hereditary neoplastic syndrome; Tumor predisposition; Hereditary Cancer Syndrome. Identifiers: Orphanet 140162, MedGen C0027672, MeSH D009386, MONDO:0015356.

Submission:

Ambry Genetics
Classification: Pathogenic for Hereditary cancer-predisposing syndrome. Last evaluated: 2026-02-19. Review status: criteria provided, single submitter. Criteria: Ambry Variant Classification Scheme 2023. Collection method: clinical testing. Allele origin: germline.
Comment: The c.2086delA pathogenic mutation, located in coding exon 20 of the RB1 gene, results from a deletion of one nucleotide at nucleotide position 2086, causing a translational frameshift with a predicted alternate stop codon (p.R696Efs*9). This variant is considered to be rare based on population cohorts in the Genome Aggregation Database (gnomAD). This alteration is expected to result in loss of function by premature protein truncation or nonsense-mediated mRNA decay. As such, this alteration is interpreted as a disease-causing mutation.